The following is an entry in ClinVar:

ClinVar aggregate classification (germline): Pathogenic (1 of 4 stars; one submission).

Submission:

GeneDx
Classification: Pathogenic. Last evaluated: 2016-09-01. Review status: criteria provided, single submitter. Criteria: GeneDx Variant Classification (06012015). Collection method: clinical testing. Allele origin: germline. Affected: yes.
Comment: The c.850_881del32ins15 pathogenic variant in the TSC1 gene causes a frameshift starting with codon Arginine 284, changes this amino acid to a Alanine residue and creates a premature Stop codon at position 10 of the new reading frame, denoted p.Arg284AlafsX10. This pathogenic variant is predicted to cause loss of normal protein function either through protein truncation or nonsense-mediated mRNA decay.

NM_000368.5(TSC1):c.850_881delinsGCTTTCCTCATCGTT (p.Arg284fs)

Gene: TSC1 (TSC complex subunit 1; minus strand). Cytogenetic location: 9q34.13.
Variant type: Indel.
Coding change: c.850_881delinsGCTTTCCTCATCGTT on transcript NM_000368.5 (MANE Select); coding-DNA positions 850 to 881, the reference bases replaced by GCTTTCCTCATCGTT.
Protein change: p.Arg284fs; shifts the reading frame from arginine 284.
Molecular consequence: frameshift variant.
Genome position (GRCh38, 1-based): chr9:132,912,314-132,912,345, 32 bases replaced. GRCh37 (hg19): chr9:135,787,701-135,787,732.
Other names: c.850_881delinsGCTTTCCTCATCGTT, p.Arg284fs (NM_001162426.2); c.697_728delinsGCTTTCCTCATCGTT, p.Arg233fs (NM_001162427.2); c.487_518delinsGCTTTCCTCATCGTT, p.Arg163fs (NM_001362177.2); short protein forms R163fs, R284fs, R233fs.
Identifiers: ClinVar variation 280843 (VCV000280843.1), dbSNP rs886041977, ClinGen allele CA10603109.